The following is an entry in ClinVar:

NM_000057.4(BLM):c.1348A>C (p.Met450Leu)

Gene: BLM (BLM RecQ like helicase; plus strand). Cytogenetic location: 15q26.1.
Variant type: single nucleotide variant.
Coding change: c.1348A>C on transcript NM_000057.4 (MANE Select); coding-DNA position 1348, A replaced by C.
Protein change: p.Met450Leu; replaces methionine 450 with leucine.
Molecular consequence: missense variant.
Genome position (GRCh38, 1-based): chr15:90,760,721, A>C. VCF-style: chr15-90760721-A-C. GRCh37 (hg19) VCF-style: chr15-91303951-A-C.
Other names: c.223A>C, p.Met75Leu (NM_001287248.2); c.1348A>C, p.Met450Leu (NM_001287246.2, NM_001287247.2); short protein forms M75L, M450L.
Identifiers: ClinVar variation 2719518 (VCV002719518.3), dbSNP rs200385935, ClinGen allele CA393842863.

ClinVar aggregate classification (germline): Uncertain significance (1 of 4 stars; one submission).

Conditions:
Bloom syndrome (BLM). Also called: Bloom-Torre-Machacek syndrome. Identifiers: Orphanet 125, MedGen C0005859, MONDO:0008876, OMIM 210900.

Submission:

Labcorp Genetics (formerly Invitae), Labcorp
Classification: Uncertain significance for Bloom syndrome. Last evaluated: 2023-05-25. Review status: criteria provided, single submitter. Criteria: Invitae Variant Classification Sherloc (09022015). Collection method: clinical testing. Allele origin: germline.
Comment: In summary, the available evidence is currently insufficient to determine the role of this variant in disease. Therefore, it has been classified as a Variant of Uncertain Significance. Advanced modeling of protein sequence and biophysical properties (such as structural, functional, and spatial information, amino acid conservation, physicochemical variation, residue mobility, and thermodynamic stability) performed at Invitae indicates that this missense variant is not expected to disrupt BLM protein function. This variant has not been reported in the literature in individuals affected with BLM-related conditions. This variant is not present in population databases (gnomAD no frequency). This sequence change replaces methionine, which is neutral and non-polar, with leucine, which is neutral and non-polar, at codon 450 of the BLM protein (p.Met450Leu).